The following is an entry in ClinVar:

NM_015506.3(MMACHC):c.482G>A (p.Arg161Gln)

Gene: MMACHC (metabolism of cobalamin associated C; plus strand). Cytogenetic location: 1p34.1.
Variant type: single nucleotide variant.
Coding change: c.482G>A on transcript NM_015506.3 (MANE Select); coding-DNA position 482, G replaced by A.
Protein change: p.Arg161Gln; replaces arginine 161 with glutamine.
Molecular consequence: missense variant.
Genome position (GRCh38, 1-based): chr1:45,508,848, G>A. VCF-style: chr1-45508848-G-A. GRCh37 (hg19) VCF-style: chr1-45974520-G-A.
Other names: c.311G>A, p.Arg104Gln (NM_001330540.2); short protein forms R161Q, R104Q.
Identifiers: ClinVar variation 1425 (VCV000001425.49), dbSNP rs121918243, ClinGen allele CA223191.

ClinVar aggregate classification (germline): Pathogenic. Review status: criteria provided, multiple submitters, no conflicts (2 of 4 stars). 24 submissions from 24 submitters: Pathogenic (20). 4 of the submissions do not count toward it. Last evaluated 2026-07-21.

Conditions:
MMACHC-related disorder. Also called: MMACHC-related condition.
Inborn genetic diseases. Identifiers: MedGen C0950123, MeSH D030342.
Disorders of Intracellular Cobalamin Metabolism. Identifiers: MedGen CN043592.
Methylmalonic aciduria due to methylmalonyl-CoA mutase deficiency (MAMM). Also called: Methylmalonic aciduria, mut type. Identifiers: Orphanet 27, MedGen C1855114, MONDO:0009612, OMIM 251000.
Cobalamin C disease. Also called: Methylmalonic aciduria and homocystinuria, Vitamin B12-responsive; Vitamin B12 metabolic defect with combined deficiency of methylmalonyl-CoA mutase and homocysteine:methyltetrahydrofolate methyltransferase; Methylmalonic aciduria with homocystinuria cblC type; Cobalamin-C methylmalonic acidemia and homocystinuria; Methylmalonic acidemia and homocystinuria cblC type; methylmalonic aciduria and homocystinuria type cblC. Identifiers: Orphanet 26, Orphanet 79282, MedGen C1848561, MONDO:0010184, OMIM 277400.

Allele frequency attached by ClinVar (database versions not stated): gnomAD 0.00007; TOPMed 0.00014; gnomAD exomes 0.00017 and 0.00005; ExAC 0.00015.

Submissions 1 to 15 of 24:

PreventionGenetics, part of Exact Sciences
Classification: Pathogenic for MMACHC-related condition. Last evaluated: 2026-07-21. Review status: criteria provided, single submitter. Criteria: ACMG Guidelines, 2015. Collection method: clinical testing. Allele origin: germline.
Comment: The MMACHC c.482G>A variant is predicted to result in the amino acid substitution p.Arg161Gln. This is a commonly reported variant causative for methylmalonic aciduria, cblC type (e.g., Lerner-Ellis et al. 2006. PubMed ID: 16311595; Froese et al. 2009. PubMed ID: 19700356; Hu et al. 2022. PubMed ID: 35361390) and is thought to be associated with a mild and/or late-onset form of cblC type methylmalonic aciduria (Froese et al. 2009. PubMed ID: 19700356; Shi et al. 2015. PubMed ID: 26283149; Almannai et al. 2017. PubMed ID: 28693988). The p.Arg161 amino acid has been highly conserved during evolution, and a different substitution at the same amino acid (p.Arg161Gly) has also been reported to be causative for cblC type methylmalonic aciduria (e.g., Lerner-Ellis et al. 2006. PubMed ID: 16311595). The c.482G>A (p.Arg161Gln) variant is reported in 0.11% of alleles in individuals of Latino descent in gnomAD. This variant is interpreted as pathogenic.

Labcorp Genetics (formerly Invitae), Labcorp
Classification: Pathogenic for Cobalamin C disease. Last evaluated: 2026-01-25. Review status: criteria provided, single submitter. Criteria: Invitae Variant Classification Sherloc (09022015). Collection method: clinical testing. Allele origin: germline.
Comment: This sequence change replaces arginine, which is basic and polar, with glutamine, which is neutral and polar, at codon 161 of the MMACHC protein (p.Arg161Gln). This variant is present in population databases (rs121918243, gnomAD 0.1%). This missense change has been observed in individuals with late-onset methylmalonic aciduria and homocystinuria (PMID: 16311595, 17853453, 19370762, 21055272, 22560872, 25687216, 26283149, 28218226). It has also been observed to segregate with disease in related individuals. ClinVar contains an entry for this variant (Variation ID: 1425). Invitae Evidence Modeling of protein sequence and biophysical properties (such as structural, functional, and spatial information, amino acid conservation, physicochemical variation, residue mobility, and thermodynamic stability) has been performed for this missense variant. However, the output from this modeling did not meet the statistical confidence thresholds required to predict the impact of this variant on MMACHC protein function. Experimental studies have shown that this missense change affects MMACHC function (PMID: 19700356, 20219402, 25809485). For these reasons, this variant has been classified as Pathogenic.

Natera, Inc.
Classification: Pathogenic for Methylmalonic aciduria and homocystinuria cblC type. Last evaluated: 2025-12-27. Review status: criteria provided, single submitter. Criteria: Natera Variant Classification Schema (03/2026). Collection method: clinical testing. Allele origin: germline.
Comment: The c.482G>A variant in MMACHC is a missense variant predicted to cause substitution of arginine to glutamine at amino acid 161. This variant has been observed in one or more individuals affected with the associated recessive disease, as either homozygous or compound heterozygous with a second variant (PMID: 20631720). Computational prediction algorithms indicate this variant is likely to affect gene or protein function. Given the available evidence, this variant is classified as Pathogenic.

3billion
Classification: Pathogenic for Cobalamin C disease. Last evaluated: 2025-12-10. Review status: criteria provided, single submitter. Criteria: ACMG Guidelines, 2015. Collection method: clinical testing. Allele origin: germline. Affected: yes.
Comment: The variant is observed at an extremely low frequency in the gnomAD v4.1.0 dataset (total allele frequency: 0.006%). Predicted Consequence/Location: Missense variant In silico tool predictions suggest damaging effect of the variant on gene or gene product [REVEL: 0.96 (>=0.6, sensitivity 0.68 and specificity 0.92); 3Cnet: 0.96 (> 0.75, sensitivity 0.96 and precision 0.92)]. The same nucleotide change resulting in the same amino acid change has been previously reported as pathogenic/likely pathogenic with strong evidence (ClinVar ID: VCV000001425 /PMID: 16311595 /3billion dataset). The variant has been reported to be in trans with a pathogenic variant as either compound heterozygous or homozygous in at least one similarly affected unrelated individual (PMID: 25687216). Different missense changes at the same codon (p.Arg161Gly, p.Arg161Leu) have been reported as pathogenic/likely pathogenic with strong evidence (ClinVar ID: VCV000813351, VCV002013220 /PMID: 16311595). Therefore, this variant is classified as Pathogenic according to the recommendation of ACMG/AMP guideline.

Variantyx, Inc.
Classification: Pathogenic for Cobalamin C disease. Last evaluated: 2025-12-02. Review status: criteria provided, single submitter. Criteria: Variantyx Assertion Criteria 2022. Collection method: clinical testing. Allele origin: germline. Inheritance: Autosomal recessive inheritance. Affected: no.
Comment: This is a nonsynonymous variant in the MMACHC gene (OMIM: 609831). Pathogenic variants in this gene have been associated with autosomal recessive combined methylmalonic aciduria and homocystinuria type cblC . This variant has been identified in the homozygous or compound heterozygous state in several individual(s) reported in the published literature (PMID: 16311595, 20631720, 22560872) (PM3). Functional studies have shown that this variant alters MMACHC protein function (PMID: 19700356, 20219402) (PS3). Multiple computational algorithms predict a deleterious effect for this variant (REVEL score: 0.956) (PP3). This variant has a 0.0800% maximum allele frequency in non-founder control populations (PM2). Based on the current evidence, this variant is classified as pathogenic for autosomal recessive combined methylmalonic aciduria and homocystinuria type cblC .

Fulgent Genetics
Classification: Pathogenic for Cobalamin C disease. Last evaluated: 2024-06-12. Review status: criteria provided, single submitter. Criteria: ACMG Guidelines, 2015. Collection method: clinical testing. Allele origin: germline.

Blueprint Genetics
Classification: Pathogenic for MMACHC-related disorders. Last evaluated: 2024-02-05. Review status: criteria provided, single submitter. Criteria: ACMG Guidelines, 2015. Collection method: clinical testing. Allele origin: germline. Affected: yes. Observed: 5 variant alleles.

Daryl Scott Lab, Baylor College of Medicine
Classification: Pathogenic for Cobalamin C disease. Last evaluated: 2024-01-01. Review status: criteria provided, single submitter. Criteria: ACMG Guidelines, 2015. Collection method: clinical testing. Allele origin: paternal. Observed: 1 heterozygote.
Comment: PS3, PM1, PM2, PM3, PP1, PP3, PP4, PP5

Mayo Clinic Laboratories, Mayo Clinic
Classification: Pathogenic. Last evaluated: 2023-11-06. Review status: criteria provided, single submitter. Criteria: ACMG Guidelines, 2015. Collection method: clinical testing. Allele origin: germline. Observed: 1 variant allele.
Comment: PP3, PP4, PM2_moderate, PM3, PS3

Revvity Omics, Revvity
Classification: Pathogenic for Cobalamin C disease. Last evaluated: 2023-10-24. Review status: criteria provided, single submitter. Criteria: ACMG Guidelines, 2015. Collection method: clinical testing. Allele origin: germline.

New York Genome Center
Classification: Pathogenic for Cobalamin C disease. Last evaluated: 2023-05-30. Review status: criteria provided, single submitter. Criteria: NYGC Assertion Criteria 2020. Collection method: clinical testing. Allele origin: inherited. Observed: 1 heterozygote.

Genome-Nilou Lab
Classification: Pathogenic for Cobalamin C disease. Last evaluated: 2023-04-11. Review status: criteria provided, single submitter. Criteria: ACMG Guidelines, 2015. Collection method: clinical testing. Allele origin: germline. Affected: no.

GeneDx
Classification: Pathogenic. Last evaluated: 2020-04-08. Review status: criteria provided, single submitter. Criteria: GeneDx Variant Classification Process June 2021. Collection method: clinical testing. Allele origin: germline. Affected: yes.
Comment: Published functional studies demonstrate reduced protein stability (Gherasim et al., 2015; Froese et al., 2009); In silico analysis supports that this missense variant has a deleterious effect on protein structure/function; This variant is associated with the following publications: (PMID: 20219402, 21055272, 26283149, 28693988, 19370762, 16311595, 31697851, 32099815, 19760748, 25367534, 25809485, 19914430, 18164228, 11320193, 17853453, 22560872, 25687216, 28218226, 29961769, 30863077, 31574870, 31203424, 30157807, 32208535, 29731766, 33822359, 31589614, 19700356, 32778825)

Genomic Medicine Lab, University of California San Francisco
Classification: Pathogenic for Cobalamin C disease. Last evaluated: 2018-10-25. Review status: criteria provided, single submitter. Criteria: ACMG Guidelines, 2015. Collection method: clinical testing. Allele origin: paternal. Inheritance: Autosomal recessive inheritance. Affected: yes. Study: CSER.

Center for Pediatric Genomic Medicine, Children's Mercy Hospital and Clinics
Classification: Pathogenic. Last evaluated: 2017-08-09. Review status: criteria provided, single submitter. Criteria: ACMG Guidelines, 2015. Collection method: clinical testing. Allele origin: germline.